The following is an entry in ClinVar:

NM_002334.4(LRP4):c.4503G>C (p.Leu1501Phe)

Genes: LRP4 (LDL receptor related protein 4; minus strand), LRP4-AS1 (LRP4 antisense RNA 1; plus strand). Cytogenetic location: 11p11.2.
Variant type: single nucleotide variant.
Coding change: c.4503G>C on transcript NM_002334.4 (MANE Select); coding-DNA position 4503, G replaced by C.
Protein change: p.Leu1501Phe; replaces leucine 1501 with phenylalanine.
Molecular consequence: missense variant. On other transcripts: non-coding transcript variant (1).
Genome position (GRCh38, 1-based): chr11:46,873,180, C>G on the plus strand (G>C on the coding strand, the complement: LRP4 is on the minus strand). VCF-style: chr11-46873180-C-G. GRCh37 (hg19) VCF-style: chr11-46894731-C-G.
Other names: short protein forms L1501F.
Identifiers: ClinVar variation 450675 (VCV000450675.3), dbSNP rs375220795, ClinGen allele CA5969315.
Genomic context (GRCh38, chr11:46,873,180, plus strand): 5'-GGTAAGGCCATTGGGCCAACCCAGGTCTGTGTTGATGAGGACCTTCCGCTCAGAACCATC[C>G]AAGTTTGCCCGTTCGATCTTGGCAATGTGGCCCCAGTCTGTCCAGAAGAGGTACCTGAGA-3'
Protein context (NP_002325.2, residues 1491-1511): GHIAKIERAN[Leu1501Phe]DGSERKVLIN

ClinVar aggregate classification (germline): Uncertain significance. Review status: criteria provided, multiple submitters, no conflicts (2 of 4 stars). 2 submissions from 2 submitters: Uncertain significance (2). Last evaluated 2022-01-04.

Conditions:
Congenital myasthenic syndrome 17. Identifiers: Orphanet 590, MedGen C4225377, MONDO:0014578, OMIM 616304.
Sclerosteosis 2 (SOST2). Identifiers: Orphanet 3152, MedGen C3280402, MONDO:0013679, OMIM 614305.
Cenani-Lenz syndactyly syndrome. Also called: CENANI SYNDACTYLISM; SYNDACTYLY, TYPE VII. Identifiers: Orphanet 3258, MedGen C1859309, MONDO:0008931, OMIM 212780.

Allele frequency attached by ClinVar (database versions not stated): TOPMed below 0.00001; ExAC 0.00001; gnomAD exomes 0.00001; ESP Exome Variant Server 0.00008.
gnomAD v4.1: 5 of 1,614,178 alleles (0.00031%); highest among the groups gnomAD compares: Non-Finnish European, 0.00042%; no homozygotes.

Submissions (2):

Fulgent Genetics
Classification: Uncertain significance for Cenani-Lenz syndactyly syndrome; Sclerosteosis 2; Congenital myasthenic syndrome 17. Last evaluated: 2022-01-04. Review status: criteria provided, single submitter. Criteria: ACMG Guidelines, 2015. Collection method: clinical testing. Allele origin: unknown.

GeneDx
Classification: Uncertain significance. Last evaluated: 2017-07-25. Review status: criteria provided, single submitter. Criteria: GeneDx Variant Classification (06012015). Collection method: clinical testing. Allele origin: germline. Affected: yes.
Comment: The L1501F variant in the LRP4 gene has not been reported previously as a pathogenic variant, nor as a benign variant, to our knowledge. The L1501F variant is not observed at a significant frequency in large population cohorts (Lek et al., 2016; 1000 Genomes Consortium et al., 2015; Exome Variant Server). The L1501F variant is a conservative amino acid substitution, which is not likely to impact secondary protein structure as these residues share similar properties. This substitution occurs at a position that is conserved across species, and in silico analysis predicts this variant is probably damaging to the protein structure/function. We interpret L1501F as a variant of uncertain significance.